The following is an entry in ClinVar:

ClinVar aggregate classification (germline): Benign/Likely benign. Review status: criteria provided, multiple submitters, no conflicts (2 of 4 stars). 4 submissions from 4 submitters: Benign (1); Likely benign (2). 1 of the submissions does not count toward it. Last evaluated 2025-10-29.

Conditions:
CRYBA4-related disorder. Also called: CRYBA4-related condition.
Cataract 23 (CTRCT23). Also called: CATARACT 23, LAMELLAR; Cataract 23, multiple types. Identifiers: Orphanet 91492, MedGen C3808012, MONDO:0012489, OMIM 610425.

Allele frequency attached by ClinVar (database versions not stated): 1000 Genomes Project 0.00100; 1000 Genomes Project 30x 0.00109; ExAC 0.00127; gnomAD exomes 0.00150 and 0.00259; gnomAD 0.00176 and 0.00179; TOPMed 0.00192; ESP Exome Variant Server 0.00208.
gnomAD v4.1: 4,081 of 1,614,070 alleles (0.25%); highest among the groups gnomAD compares: Non-Finnish European, 0.3%; 5 homozygotes.

Submissions (5):

Labcorp Genetics (formerly Invitae), Labcorp
Classification: Benign for Cataract 23. Last evaluated: 2025-10-29. Review status: criteria provided, single submitter. Criteria: Invitae Variant Classification Sherloc (09022015). Collection method: clinical testing. Allele origin: germline.

Blueprint Genetics
Classification: Likely benign. Last evaluated: 2024-11-15. Review status: criteria provided, single submitter. Criteria: ACMG Guidelines, 2015. Collection method: clinical testing. Allele origin: germline.

GeneDx
Classification: Likely benign. Last evaluated: 2021-04-28. Review status: criteria provided, single submitter. Criteria: GeneDx Variant Classification Process June 2021. Collection method: clinical testing. Allele origin: germline. Affected: yes.

PreventionGenetics, part of Exact Sciences
Classification: Likely benign for CRYBA4-related condition. Last evaluated: 2019-06-27. Review status: no assertion criteria provided. Collection method: clinical testing. Allele origin: germline. Not counted in ClinVar's aggregate classification.
Comment: This variant is classified as likely benign based on ACMG/AMP sequence variant interpretation guidelines (Richards et al. 2015 PMID: 25741868, with internal and published modifications).

Dr. Peter K. Rogan Lab, Western University
No classification provided (evidence only). Condition: Clear cell carcinoma of kidney. Review status: no classification provided. Collection method: in vitro. Allele origin: not applicable. Functional consequence: retained intron. Not counted in ClinVar's aggregate classification.

NM_001886.3(CRYBA4):c.216C>T (p.Gly72=)

Gene: CRYBA4 (crystallin beta A4; plus strand). Cytogenetic location: 22q12.1.
Variant type: single nucleotide variant.
Coding change: c.216C>T on transcript NM_001886.3 (MANE Select); coding-DNA position 216, C replaced by T.
Protein change: p.Gly72=; no amino-acid change (glycine 72 retained).
Molecular consequence: synonymous variant.
Genome position (GRCh38, 1-based): chr22:26,625,538, C>T. VCF-style: chr22-26625538-C-T. GRCh37 (hg19) VCF-style: chr22-27021502-C-T.
Identifiers: ClinVar variation 702288 (VCV000702288.15), dbSNP rs148454808, ClinGen allele CA10165734.